The following is an entry in ClinVar:

NM_006254.4(PRKCD):c.889-9C>T

Gene: PRKCD (protein kinase C delta; plus strand). Cytogenetic location: 3p21.1.
Variant type: single nucleotide variant.
Coding change: c.889-9C>T on transcript NM_006254.4 (MANE Select); 9 bases into the intron before coding-DNA position 889, C replaced by T.
Molecular consequence: intron variant.
Genome position (GRCh38, 1-based): chr3:53,185,595, C>T. VCF-style: chr3-53185595-C-T. GRCh37 (hg19) VCF-style: chr3-53219611-C-T.
Other names: c.889-9C>T (LRG_1327t1, NM_001354680.2, NM_001354679.2 and 2 more transcripts); c.946-9C>T (NM_001354676.2); c.937-9C>T (NM_001354678.2).
Identifiers: ClinVar variation 626154 (VCV000626154.10), dbSNP rs782612523, ClinGen allele CA2452011.

ClinVar aggregate classification (germline): Conflicting classifications of pathogenicity. Review status: criteria provided, conflicting classifications (1 of 4 stars). 2 submissions from 2 submitters: Uncertain significance (1); Likely benign (1). Last evaluated 2025-12-30.

Conditions:
Autoimmune lymphoproliferative syndrome, type III caused by mutation in PRKCD. Identifiers: Orphanet 3261, Orphanet 664711, MedGen C3809928, MONDO:8000024, OMIM 615559.

Allele frequency attached by ClinVar (database versions not stated): gnomAD 0.00002; ExAC 0.00003; gnomAD exomes 0.00003 and 0.00008; TOPMed 0.00005.

Submissions (2):

Labcorp Genetics (formerly Invitae), Labcorp
Classification: Likely benign for Autoimmune lymphoproliferative syndrome, type III caused by mutation in PRKCD. Last evaluated: 2025-12-30. Review status: criteria provided, single submitter. Criteria: Invitae Variant Classification Sherloc (09022015). Collection method: clinical testing. Allele origin: germline.

Center for Genomics, Ann and Robert H. Lurie Children's Hospital of Chicago
Classification: Uncertain significance for Autoimmune lymphoproliferative syndrome, type III caused by mutation in PRKCD. Last evaluated: 2021-03-30. Review status: criteria provided, single submitter. Criteria: ACMG Guidelines, 2015. Collection method: clinical testing. Allele origin: germline.
Comment: PRKCD NM_006254.3 exon 11 c.889-9C>T: This variant has not been reported in the literature but is present in 12/34362 Latino alleles in the Genome Aggregation Database. Evolutionary conservation and computational predictive tools for this variant are limited or unavailable. This variant is an intronic variant; splice prediction tools suggest that this variant may not affect splicing. However, further studies are needed to understand its impact. In summary, data on this variant is insufficient for disease classification. Therefore, the clinical significance of this variant is uncertain.